The following is an entry in ClinVar:

ClinVar aggregate classification (germline): Uncertain significance. Review status: criteria provided, multiple submitters, no conflicts (2 of 4 stars). 2 submissions from 2 submitters: Uncertain significance (2). Last evaluated 2025-05-29.

Conditions:
Absence seizure. Also called: Absence epilepsy. Identifiers: Orphanet 1941, MedGen C0014553.
Myoclonic epilepsy, juvenile, susceptibility to, 1. Also called: Myoclonic Epilepsy, Juvenile, 1; EJM1. Identifiers: MedGen C1850778, MONDO:0020752, OMIM 254770.

Allele frequency attached by ClinVar (database versions not stated): ExAC 0.00003; gnomAD exomes 0.00003; TOPMed 0.00003; gnomAD 0.00005 and 0.00006.
gnomAD v4.1: 44 of 1,613,816 alleles (0.0027%); highest among the groups gnomAD compares: Non-Finnish European, 0.0036%; no homozygotes.

Submissions (2):

Ambry Genetics
Classification: Uncertain significance. Last evaluated: 2025-05-29. Review status: criteria provided, single submitter. Criteria: Ambry Variant Classification Scheme 2023. Collection method: clinical testing. Allele origin: germline.

Labcorp Genetics (formerly Invitae), Labcorp
Classification: Uncertain significance for Myoclonic epilepsy, juvenile, susceptibility to, 1; Absence seizure. Last evaluated: 2019-04-06. Review status: criteria provided, single submitter. Criteria: Invitae Variant Classification Sherloc (09022015). Collection method: clinical testing. Allele origin: germline.
Comment: In summary, the available evidence is currently insufficient to determine the role of this variant in disease. Therefore, it has been classified as a Variant of Uncertain Significance. Algorithms developed to predict the effect of missense changes on protein structure and function (SIFT, PolyPhen-2, Align-GVGD) all suggest that this variant is likely to be disruptive, but these predictions have not been confirmed by published functional studies and their clinical significance is uncertain. This sequence change replaces isoleucine with threonine at codon 117 of the EFHC1 protein (p.Ile117Thr). The isoleucine residue is highly conserved and there is a moderate physicochemical difference between isoleucine and threonine. This variant is present in population databases (rs201616140, ExAC 0.005%). This variant has not been reported in the literature in individuals with EFHC1-related conditions.

NM_018100.4(EFHC1):c.350T>C (p.Ile117Thr)

Gene: EFHC1 (EF-hand domain containing 1; plus strand). Cytogenetic location: 6p12.2.
Variant type: single nucleotide variant.
Coding change: c.350T>C on transcript NM_018100.4 (MANE Select); coding-DNA position 350, T replaced by C.
Protein change: p.Ile117Thr; replaces isoleucine 117 with threonine.
Molecular consequence: missense variant. On other transcripts: non-coding transcript variant (1).
Genome position (GRCh38, 1-based): chr6:52,438,368, T>C. VCF-style: chr6-52438368-T-C. GRCh37 (hg19) VCF-style: chr6-52303166-T-C.
Other names: c.293T>C, p.Ile98Thr (NM_001172420.2); short protein forms I117T, I98T.
Identifiers: ClinVar variation 854714 (VCV000854714.12), dbSNP rs201616140, ClinGen allele CA3855730.